The following is an entry in ClinVar:

NM_000245.4(MET):c.1268del (p.Ala423fs)

Gene: MET (MET proto-oncogene, receptor tyrosine kinase; plus strand). Cytogenetic location: 7q31.2.
Variant type: Deletion.
Coding change: c.1268del on transcript NM_000245.4 (MANE Select); coding-DNA position 1268, one base deleted (C; older notation c.1268delC).
Protein change: p.Ala423fs; shifts the reading frame from alanine 423.
Molecular consequence: frameshift variant. On other transcripts: 5 prime UTR variant (1).
Genome position (GRCh38, 1-based): chr7:116,731,735, C deleted. VCF-style (leftmost placement, unchanged base first): chr7-116731734-GC-G. GRCh37 (hg19) VCF-style: chr7-116371788-GC-G.
Other names: c.1268del, p.Ala423fs (NM_001127500.3, NM_001324401.3); c.-23del (NM_001324402.2); short protein forms A423fs.
Identifiers: ClinVar variation 4859977 (VCV004859977.1).

ClinVar aggregate classification (germline): Uncertain significance (1 of 4 stars; one submission).

Conditions:
Hereditary cancer-predisposing syndrome. Also called: Neoplastic Syndromes, Hereditary; Tumor predisposition; Hereditary Cancer Syndrome; Hereditary neoplastic syndrome. Identifiers: Orphanet 140162, MedGen C0027672, MeSH D009386, MONDO:0015356.

Submission:

Ambry Genetics
Classification: Uncertain significance for Hereditary cancer-predisposing syndrome. Last evaluated: 2026-05-01. Review status: criteria provided, single submitter. Criteria: Ambry Variant Classification Scheme 2023. Collection method: clinical testing. Allele origin: germline.
Comment: The c.1268delC variant, located in coding exon 2 of the MET gene, results from a deletion of one nucleotide at nucleotide position 1268, causing a translational frameshift with a predicted alternate stop codon (p.A423Vfs*17). This variant is expected to result in protein truncation or nonsense-mediated mRNA decay. However, loss of function of MET has not been established as a mechanism of disease. Based on the available evidence, the clinical significance of this variant remains unclear.